The following is an entry in ClinVar:

ClinVar aggregate classification (germline): Likely benign (1 of 4 stars; one submission).

Allele frequency attached by ClinVar (database versions not stated): 1000 Genomes Project 30x 0.00078; 1000 Genomes Project 0.00100; ESP Exome Variant Server 0.00106; TOPMed 0.00107; gnomAD 0.00113.
gnomAD v4.1: 2,637 of 1,608,814 alleles (0.16%); highest among the groups gnomAD compares: Non-Finnish European, 0.21%; 4 homozygotes.

Submission:

CeGaT Center for Human Genetics Tuebingen
Classification: Likely benign. Last evaluated: 2022-08-01. Review status: criteria provided, single submitter. Criteria: CeGaT Center For Human Genetics Tuebingen Variant Classification Criteria Version 2. Collection method: clinical testing. Allele origin: germline. Affected: yes. Observed: 2 variant alleles.
Comment: PLIN4: BP4, BP7

NM_001367868.2(PLIN4):c.1422C>T (p.Thr474=)

Gene: PLIN4 (perilipin 4; minus strand). Cytogenetic location: 19p13.3.
Variant type: single nucleotide variant.
Coding change: c.1422C>T on transcript NM_001367868.2 (MANE Select); coding-DNA position 1422, C replaced by T.
Protein change: p.Thr474=; no amino-acid change (threonine 474 retained).
Molecular consequence: synonymous variant.
Genome position (GRCh38, 1-based): chr19:4,512,538, G>A on the plus strand (C>T on the coding strand, the complement: PLIN4 is on the minus strand). VCF-style: chr19-4512538-G-A. GRCh37 (hg19) VCF-style: chr19-4512550-G-A.
Other names: c.1425C>T, p.Thr475= (NM_001393888.1, NM_001393889.1); c.1422C>T, p.Thr474= (NM_001393890.1, NM_001393891.1).
Identifiers: ClinVar variation 2649051 (VCV002649051.24), dbSNP rs180803971, ClinGen allele CA9100704.